The following is an entry in ClinVar:

NM_001114753.3(ENG):c.1429-23_1429-1del

Genes: ENG (endoglin; minus strand), LOC102723566 (uncharacterized LOC102723566; plus strand). Cytogenetic location: 9q34.11.
Variant type: Deletion.
Coding change: c.1429-23_1429-1del on transcript NM_001114753.3 (MANE Select); 23 bases into the intron before coding-DNA position 1429 through the canonical splice acceptor site of the intron before coding-DNA position 1429, 23 bases deleted (CGTGGCCCTACCTACCCATGCAG).
Molecular consequence: splice acceptor variant.
Genome position (GRCh38, 1-based): chr9:127,818,378-127,818,400, CTGCATGGGTAGGTAGGGCCACG deleted on the plus strand (CGTGGCCCTACCTACCCATGCAG on the coding strand, the reverse complement: ENG is on the minus strand); deleting any 23 consecutive bases within chr9:127,818,378-127,818,401 gives the same sequence; the c. name uses the placement nearest the transcript's 3' end. VCF-style (leftmost placement, unchanged base first): chr9-127818377-CCTGCATGGGTAGGTAGGGCCACG-C. GRCh37 (hg19) VCF-style: chr9-130580656-CCTGCATGGGTAGGTAGGGCCACG-C.
Other names: c.1429-23_1429-1del (NM_000118.4); c.883-23_883-1del (NM_001278138.2).
Identifiers: ClinVar variation 2839189 (VCV002839189.3), dbSNP rs2539059969, ClinGen allele CA2739265072.

ClinVar aggregate classification (germline): Likely pathogenic (1 of 4 stars; one submission).

Conditions:
Hereditary hemorrhagic telangiectasia (HHT). Also called: ORW DISEASE; Osler Weber Rendu syndrome; OSLER-RENDU-WEBER DISEASE; Osler hemorrhagic telangiectasia syndrome. Identifiers: Orphanet 774, MedGen C0039445, MONDO:0019180. Disease mechanism: loss of function.

Submission:

Labcorp Genetics (formerly Invitae), Labcorp
Classification: Likely pathogenic for Hereditary hemorrhagic telangiectasia. Last evaluated: 2023-03-21. Review status: criteria provided, single submitter. Criteria: Invitae Variant Classification Sherloc (09022015). Collection method: clinical testing. Allele origin: germline.
Comment: This sequence change affects a splice site in intron 11 of the ENG gene. It is expected to disrupt RNA splicing. Variants that disrupt the donor or acceptor splice site typically lead to a loss of protein function (PMID: 16199547), and loss-of-function variants in ENG are known to be pathogenic (PMID: 15879500). This variant is not present in population databases (gnomAD no frequency). This variant has not been reported in the literature in individuals affected with ENG-related conditions. Algorithms developed to predict the effect of sequence changes on RNA splicing suggest that this variant may disrupt the consensus splice site. In summary, the currently available evidence indicates that the variant is pathogenic, but additional data are needed to prove that conclusively. Therefore, this variant has been classified as Likely Pathogenic.

Literature cited by the submitters: PubMed 16199547; PubMed 15879500.